The following is an entry in ClinVar:

ClinVar aggregate classification (germline): Uncertain significance (1 of 4 stars; one submission).

Conditions:
GNE myopathy (NM). Also called: IBM 2; Inclusion body myopathy autosomal recessive; Inclusion body myopathy quadriceps sparing; MYOPATHY, DISTAL, WITH OR WITHOUT RIMMED VACUOLES; NONAKA DISTAL MYOPATHY; INCLUSION BODY MYOPATHY, HEREDITARY, AUTOSOMAL RECESSIVE. Identifiers: Orphanet 602, MedGen C1853926, MONDO:0011603, OMIM 605820.
Sialuria. Also called: Sialic Acid Storage Disease; SIALURIA, FRENCH TYPE. Identifiers: Orphanet 3166, MedGen C0342853, MONDO:0010028, OMIM 269921.

Submission:

Labcorp Genetics (formerly Invitae), Labcorp
Classification: Uncertain significance for Sialuria; GNE myopathy. Last evaluated: 2023-08-04. Review status: criteria provided, single submitter. Criteria: Invitae Variant Classification Sherloc (09022015). Collection method: clinical testing. Allele origin: germline.
Comment: This sequence change replaces isoleucine, which is neutral and non-polar, with methionine, which is neutral and non-polar, at codon 374 of the GNE protein (p.Ile374Met). This variant is not present in population databases (gnomAD no frequency). This variant has not been reported in the literature in individuals affected with GNE-related conditions. ClinVar contains an entry for this variant (Variation ID: 1020088). Advanced modeling of protein sequence and biophysical properties (such as structural, functional, and spatial information, amino acid conservation, physicochemical variation, residue mobility, and thermodynamic stability) has been performed at Invitae for this missense variant, however the output from this modeling did not meet the statistical confidence thresholds required to predict the impact of this variant on GNE protein function. In summary, the available evidence is currently insufficient to determine the role of this variant in disease. Therefore, it has been classified as a Variant of Uncertain Significance.

NM_005476.7(GNE):c.1029A>G (p.Ile343Met)

Gene: GNE (glucosamine (UDP-N-acetyl)-2-epimerase/N-acetylmannosamine kinase; minus strand). Cytogenetic location: 9p13.3.
Variant type: single nucleotide variant.
Coding change: c.1029A>G on transcript NM_005476.7 (MANE Select); coding-DNA position 1029, A replaced by G.
Protein change: p.Ile343Met; replaces isoleucine 343 with methionine.
Molecular consequence: missense variant.
Genome position (GRCh38, 1-based): chr9:36,229,062, T>C on the plus strand (A>G on the coding strand, the complement: GNE is on the minus strand). VCF-style: chr9-36229062-T-C. GRCh37 (hg19) VCF-style: chr9-36229059-T-C.
Other names: c.852A>G, p.Ile284Met (NM_001374798.1, NM_001190388.2); c.1029A>G, p.Ile343Met (NM_001190383.3); c.699A>G, p.Ile233Met (NM_001190384.3); c.876A>G, p.Ile292Met (NM_001374797.1); c.1122A>G, p.Ile374Met (NM_001128227.3); short protein forms I233M, I374M, I343M, I292M, I284M.
Identifiers: ClinVar variation 1020088 (VCV001020088.8), dbSNP rs1829027391, ClinGen allele CA373430009.